The following is an entry in ClinVar:

ClinVar aggregate classification (germline): Uncertain significance (1 of 4 stars; one submission).

Conditions:
Inborn genetic diseases. Identifiers: MedGen C0950123, MeSH D030342.

Submission:

Ambry Genetics
Classification: Uncertain significance for Inborn genetic diseases. Last evaluated: 2024-11-24. Review status: criteria provided, single submitter. Criteria: Ambry Variant Classification Scheme 2023. Collection method: clinical testing. Allele origin: germline.
Comment: The p.Y647H variant (also known as c.1939T>C), located in coding exon 13 of the ERCC6L2 gene, results from a T to C substitution at nucleotide position 1939. The tyrosine at codon 647 is replaced by histidine, an amino acid with similar properties. This amino acid position is conserved. In addition, the in silico prediction for this alteration is inconclusive. Based on the available evidence, the clinical significance of this variant remains unclear.

NM_020207.7(ERCC6L2):c.1939T>C (p.Tyr647His)

Gene: ERCC6L2 (ERCC excision repair 6 like 2; plus strand). Cytogenetic location: 9q22.32.
Variant type: single nucleotide variant.
Coding change: c.1939T>C on transcript NM_020207.7 (MANE Select); coding-DNA position 1939, T replaced by C.
Protein change: p.Tyr647His; replaces tyrosine 647 with histidine.
Molecular consequence: missense variant. On other transcripts: non-coding transcript variant (1).
Genome position (GRCh38, 1-based): chr9:95,956,005, T>C. VCF-style: chr9-95956005-T-C. GRCh37 (hg19) VCF-style: chr9-98718287-T-C.
Other names: c.1939T>C, p.Tyr647His (NM_001010895.4, NM_001375291.1, NM_001375292.1 and 2 more transcripts); short protein forms Y647H.
Identifiers: ClinVar variation 3509979 (VCV003509979.1).